The following is an entry in ClinVar:

NM_021930.6(RINT1):c.1726_1727del (p.Leu576fs)

Gene: RINT1 (RAD50 interactor 1; plus strand). Cytogenetic location: 7q22.3.
Variant type: Microsatellite.
Coding change: c.1726_1727del on transcript NM_021930.6 (MANE Select); coding-DNA positions 1726 to 1727, 2 bases deleted (CT; older notation c.1726_1727delCT).
Protein change: p.Leu576fs; shifts the reading frame from leucine 576.
Molecular consequence: frameshift variant. On other transcripts: non-coding transcript variant (1).
Genome position (GRCh38, 1-based): chr7:105,563,787-105,563,788, CT deleted; deleting any 2 consecutive bases within chr7:105,563,785-105,563,788 gives the same sequence; the c. name uses the placement nearest the transcript's 3' end. VCF-style (leftmost placement, unchanged base first): chr7-105563784-ACT-A. GRCh37 (hg19) VCF-style: chr7-105204231-ACT-A.
Other names: c.1492_1493del, p.Leu498fs (NM_001346599.2); c.703_704del, p.Leu235fs (NM_001346600.2, NM_001346603.2); c.802_803del, p.Leu268fs (NM_001346601.2); short protein forms L268fs, L498fs, L235fs, L576fs.
Identifiers: ClinVar variation 1371417 (VCV001371417.6), dbSNP rs2133463883, ClinGen allele CA2580617069.

ClinVar aggregate classification (germline): Pathogenic (1 of 4 stars; one submission).

Submission:

Labcorp Genetics (formerly Invitae), Labcorp
Classification: Pathogenic. Last evaluated: 2024-08-28. Review status: criteria provided, single submitter. Criteria: Invitae Variant Classification Sherloc (09022015). Collection method: clinical testing. Allele origin: germline.
Comment: This sequence change creates a premature translational stop signal (p.Leu576Glufs*2) in the RINT1 gene. It is expected to result in an absent or disrupted protein product. Loss-of-function variants in RINT1 are known to be pathogenic (PMID: 31204009). This variant is not present in population databases (gnomAD no frequency). This variant has not been reported in the literature in individuals affected with RINT1-related conditions. For these reasons, this variant has been classified as Pathogenic.

Literature cited by the submitters: PubMed 31204009.